The following is an entry in ClinVar:

ClinVar aggregate classification (germline): Uncertain significance. Review status: criteria provided, multiple submitters, no conflicts (2 of 4 stars). 2 submissions from 2 submitters: Uncertain significance (2). Last evaluated 2025-08-13.

Conditions:
Charcot-Marie-Tooth disease axonal type 2C (HMSN2C). Also called: CHARCOT-MARIE-TOOTH DISEASE, AXONAL, AUTOSOMAL DOMINANT, TYPE 2C; Charcot-Marie-Tooth Neuropathy Type 2C; Charcot-Marie-Tooth Disease Type 2, TRPV4-Related (CMT2C). Identifiers: Orphanet 99937, MedGen C1853710, MONDO:0011633, OMIM 606071.

Allele frequency attached by ClinVar (database versions not stated): gnomAD exomes below 0.00001.

Submissions (2):

Labcorp Genetics (formerly Invitae), Labcorp
Classification: Uncertain significance for Charcot-Marie-Tooth disease axonal type 2C. Last evaluated: 2025-08-13. Review status: criteria provided, single submitter. Criteria: Invitae Variant Classification Sherloc (09022015). Collection method: clinical testing. Allele origin: germline.
Comment: This sequence change replaces arginine, which is basic and polar, with histidine, which is basic and polar, at codon 821 of the TRPV4 protein (p.Arg821His). The frequency data for this variant in the population databases is considered unreliable, as metrics indicate poor data quality at this position in the gnomAD database. This variant has not been reported in the literature in individuals affected with TRPV4-related conditions. ClinVar contains an entry for this variant (Variation ID: 1318895). Invitae Evidence Modeling of protein sequence and biophysical properties (such as structural, functional, and spatial information, amino acid conservation, physicochemical variation, residue mobility, and thermodynamic stability) has been performed for this missense variant. However, the output from this modeling did not meet the statistical confidence thresholds required to predict the impact of this variant on TRPV4 protein function. In summary, the available evidence is currently insufficient to determine the role of this variant in disease. Therefore, it has been classified as a Variant of Uncertain Significance.

GeneDx
Classification: Uncertain significance. Last evaluated: 2021-01-07. Review status: criteria provided, single submitter. Criteria: GeneDx Variant Classification Process June 2021. Collection method: clinical testing. Allele origin: germline. Affected: yes.
Comment: Not observed at a significant frequency in large population cohorts (Lek et al., 2016); In silico analysis supports that this missense variant does not alter protein structure/function; Has not been previously published as pathogenic or benign to our knowledge

NM_021625.5(TRPV4):c.2462G>A (p.Arg821His)

Gene: TRPV4 (transient receptor potential cation channel subfamily V member 4; minus strand). Cytogenetic location: 12q24.11.
Variant type: single nucleotide variant.
Coding change: c.2462G>A on transcript NM_021625.5 (MANE Select); coding-DNA position 2462, G replaced by A.
Protein change: p.Arg821His; replaces arginine 821 with histidine.
Molecular consequence: missense variant.
Genome position (GRCh38, 1-based): chr12:109,783,775, C>T on the plus strand (G>A on the coding strand, the complement: TRPV4 is on the minus strand). VCF-style: chr12-109783775-C-T. GRCh37 (hg19) VCF-style: chr12-110221580-C-T.
Other names: c.2321G>A, p.Arg774His (NM_001177428.2); c.2360G>A, p.Arg787His (NM_001177431.2); c.2141G>A, p.Arg714His (NM_001177433.2); c.2282G>A, p.Arg761His (NM_147204.3); short protein forms R714H, R761H, R774H, R787H, R821H.
Identifiers: ClinVar variation 1318895 (VCV001318895.2), dbSNP rs992984323, ClinGen allele CA243494180.